The following is an entry in ClinVar:

NM_001100.4(ACTA1):c.36C>A (p.Cys12Ter)

Gene: ACTA1 (actin alpha 1, skeletal muscle; minus strand). Cytogenetic location: 1q42.13.
Variant type: single nucleotide variant.
Coding change: c.36C>A on transcript NM_001100.4 (MANE Select); coding-DNA position 36, C replaced by A.
Protein change: p.Cys12Ter; replaces cysteine 12 with a stop codon.
Molecular consequence: nonsense.
Genome position (GRCh38, 1-based): chr1:229,433,080, G>T on the plus strand (C>A on the coding strand, the complement: ACTA1 is on the minus strand). VCF-style: chr1-229433080-G-T. GRCh37 (hg19) VCF-style: chr1-229568827-G-T.
Other names: short protein forms C12*.
Identifiers: ClinVar variation 576643 (VCV000576643.3), dbSNP rs1025502215, ClinGen allele CA345151722.

ClinVar aggregate classification (germline): Pathogenic (1 of 4 stars; one submission).

Conditions:
Actin accumulation myopathy (CMYO2A). Also called: CONGENITAL MYOPATHY 2A, TYPICAL, AUTOSOMAL DOMINANT; Nemaline myopathy type 3; Myopathy, actin, congenital, with excess of thin myofilaments; Myopathy, actin, congenital, with cores; Nemaline myopathy 3, with intranuclear rods. Identifiers: Orphanet 98904, MedGen C3711389, MONDO:0008070, OMIM 161800.

gnomAD v4.1: 1 of 1,614,160 alleles (0.000062%); highest among the groups gnomAD compares: Non-Finnish European, 0.000085%; no homozygotes.

Submission:

Labcorp Genetics (formerly Invitae), Labcorp
Classification: Pathogenic for Actin accumulation myopathy. Last evaluated: 2018-10-02. Review status: criteria provided, single submitter. Criteria: Invitae Variant Classification Sherloc (09022015). Collection method: clinical testing. Allele origin: germline.
Comment: This sequence change creates a premature translational stop signal (p.Cys12*) in the ACTA1 gene. It is expected to result in an absent or disrupted protein product. This variant is not present in population databases (ExAC no frequency). This variant has not been reported in the literature in individuals with ACTA1-related disease. Loss-of-function variants in ACTA1 are known to be pathogenic (PMID: 19562689). For these reasons, this variant has been classified as Pathogenic.

Literature cited by the submitters: PubMed 19562689.